The following is an entry in ClinVar:

NM_001134407.3(GRIN2A):c.1141C>T (p.His381Tyr)

Gene: GRIN2A (glutamate ionotropic receptor NMDA type subunit 2A; minus strand). Cytogenetic location: 16p13.2.
Variant type: single nucleotide variant.
Coding change: c.1141C>T on transcript NM_001134407.3 (MANE Select); coding-DNA position 1141, C replaced by T.
Protein change: p.His381Tyr; replaces histidine 381 with tyrosine.
Molecular consequence: missense variant.
Genome position (GRCh38, 1-based): chr16:9,849,943, G>A on the plus strand (C>T on the coding strand, the complement: GRIN2A is on the minus strand). VCF-style: chr16-9849943-G-A. GRCh37 (hg19) VCF-style: chr16-9943800-G-A.
Other names: c.1141C>T, p.His381Tyr (NM_000833.5, NM_001134408.2); short protein forms H381Y.
Identifiers: ClinVar variation 321617 (VCV000321617.15), dbSNP rs757464009, ClinGen allele CA7896793.

ClinVar aggregate classification (germline): Benign/Likely benign. Review status: criteria provided, multiple submitters, no conflicts (2 of 4 stars). 4 submissions from 4 submitters: Benign (1); Likely benign (3). Last evaluated 2024-04-09.

Conditions:
Inborn genetic diseases. Identifiers: MedGen C0950123, MeSH D030342.
Landau-Kleffner syndrome (FESD). Also called: EPILEPSY, FOCAL, WITH SPEECH DISORDER AND WITH OR WITHOUT MENTAL RETARDATION; APHASIA, ACQUIRED, WITH EPILEPSY. Identifiers: Orphanet 1945, Orphanet 725, Orphanet 98818, MedGen C0282512, MONDO:0009509, OMIM 245570.

Allele frequency attached by ClinVar (database versions not stated): gnomAD 0.00005 and 0.00006; TOPMed 0.00006; gnomAD exomes 0.00008.
gnomAD v4.1: 67 of 1,613,810 alleles (0.0042%); highest among the groups gnomAD compares: Non-Finnish European, 0.00068%; 1 homozygote.

Submissions (4):

Labcorp Genetics (formerly Invitae), Labcorp
Classification: Benign for Landau-Kleffner syndrome. Last evaluated: 2024-04-09. Review status: criteria provided, single submitter. Criteria: Invitae Variant Classification Sherloc (09022015). Collection method: clinical testing. Allele origin: germline.

Ambry Genetics
Classification: Likely benign for Inborn genetic diseases. Last evaluated: 2022-05-09. Review status: criteria provided, single submitter. Criteria: Ambry Variant Classification Scheme 2023. Collection method: clinical testing. Allele origin: germline.

Illumina Laboratory Services, Illumina
Classification: Likely benign for Landau-Kleffner syndrome. Last evaluated: 2018-01-13. Review status: criteria provided, single submitter. Criteria: ICSL Variant Classification Criteria 13 December 2019. Collection method: clinical testing. Allele origin: germline.
Comment: This variant was observed in the ICSL laboratory as part of a predisposition screen in an ostensibly healthy population. It had not been previously curated by ICSL or reported in the Human Gene Mutation Database (HGMD: prior to June 1st, 2018), and was therefore a candidate for classification through an automated scoring system. Utilizing variant allele frequency, disease prevalence and penetrance estimates, and inheritance mode, an automated score was calculated to assess if this variant is too frequent to cause the disease. Based on the score and internal cut-off values, a variant classified as likely benign is not then subjected to further curation. The score for this variant resulted in a classification of likely benign for this disease.

GeneDx
Classification: Likely benign. Last evaluated: 2017-11-15. Review status: criteria provided, single submitter. Criteria: GeneDx Variant Classification (06012015). Collection method: clinical testing. Allele origin: germline. Affected: yes.
Comment: This variant is considered likely benign or benign based on one or more of the following criteria: it is a conservative change, it occurs at a poorly conserved position in the protein, it is predicted to be benign by multiple in silico algorithms, and/or has population frequency not consistent with disease.